The following is an entry in ClinVar:

NM_000059.4(BRCA2):c.3971del (p.Tyr1324fs)

Gene: BRCA2 (BRCA2 DNA repair associated; plus strand). Cytogenetic location: 13q13.1.
Variant type: Deletion.
Coding change: c.3971del on transcript NM_000059.4 (MANE Select); coding-DNA position 3971, one base deleted (A; older notation c.3971delA).
Protein change: p.Tyr1324fs; shifts the reading frame from tyrosine 1324.
Molecular consequence: frameshift variant.
Genome position (GRCh38, 1-based): chr13:32,338,326, A deleted. VCF-style (leftmost placement, unchanged base first): chr13-32338325-TA-T. GRCh37 (hg19) VCF-style: chr13-32912462-TA-T.
Other names: c.3971delA (NM_000059.3); short protein forms Y1324fs.
Identifiers: ClinVar variation 647777 (VCV000647777.12), dbSNP rs1593901067, ClinGen allele CA658761227.

ClinVar aggregate classification (germline): Pathogenic. Review status: criteria provided, multiple submitters, no conflicts (2 of 4 stars). 2 submissions from 2 submitters: Pathogenic (2). Last evaluated 2025-07-29.

Conditions:
Hereditary cancer-predisposing syndrome. Also called: Hereditary Cancer Syndrome; Tumor predisposition; Hereditary neoplastic syndrome; Neoplastic Syndromes, Hereditary. Identifiers: Orphanet 140162, MedGen C0027672, MeSH D009386, MONDO:0015356.
Hereditary breast ovarian cancer syndrome. Also called: Hereditary breast and ovarian cancer; Hereditary breast and ovarian cancer syndrome; BRCA1- and BRCA2-Associated Hereditary Breast and Ovarian Cancer; Hereditary breast and ovarian cancer syndrome (HBOC); Breast and ovarian cancer; Hereditary breast and/or ovarian cancer syndrome. Identifiers: Orphanet 145, MedGen C0677776, MeSH D061325, MONDO:0003582. Disease mechanism: loss of function.

Submissions (2):

Labcorp Genetics (formerly Invitae), Labcorp
Classification: Pathogenic for Hereditary breast ovarian cancer syndrome. Last evaluated: 2025-07-29. Review status: criteria provided, single submitter. Criteria: Invitae Variant Classification Sherloc (09022015). Collection method: clinical testing. Allele origin: germline.
Comment: This sequence change creates a premature translational stop signal (p.Tyr1324Leufs*11) in the BRCA2 gene. It is expected to result in an absent or disrupted protein product. Loss-of-function variants in BRCA2 are known to be pathogenic (PMID: 20104584). This variant is not present in population databases (gnomAD no frequency). This premature translational stop signal has been observed in individual(s) with breast cancer (PMID: 25777348). ClinVar contains an entry for this variant (Variation ID: 647777). For these reasons, this variant has been classified as Pathogenic.

Ambry Genetics
Classification: Pathogenic for Hereditary cancer-predisposing syndrome. Last evaluated: 2024-02-13. Review status: criteria provided, single submitter. Criteria: Ambry Variant Classification Scheme 2023. Collection method: clinical testing. Allele origin: germline.
Comment: The c.3971delA pathogenic mutation, located in coding exon 10 of the BRCA2 gene, results from a deletion of one nucleotide at nucleotide position 3971, causing a translational frameshift with a predicted alternate stop codon (p.Y1324Lfs*11). This variant is considered to be rare based on population cohorts in the Genome Aggregation Database (gnomAD). In addition to the clinical data presented in the literature, this alteration is expected to result in loss of function by premature protein truncation or nonsense-mediated mRNA decay. As such, this alteration is interpreted as a disease-causing mutation.

Literature cited by the submitters: PubMed 20104584 (cited by Labcorp Genetics (formerly Invitae), Labcorp); PubMed 25777348 (cited by Labcorp Genetics (formerly Invitae), Labcorp and Ambry Genetics).